The following is an entry in ClinVar:

NM_183075.3(CYP2U1):c.235C>T (p.Pro79Ser)

Genes: CYP2U1 (cytochrome P450 family 2 subfamily U member 1; plus strand), CYP2U1-AS1 (CYP2U1 and SGMS2 antisense RNA 1; minus strand). Cytogenetic location: 4q25.
Variant type: single nucleotide variant.
Coding change: c.235C>T on transcript NM_183075.3 (MANE Select); coding-DNA position 235, C replaced by T.
Protein change: p.Pro79Ser; replaces proline 79 with serine.
Molecular consequence: missense variant.
Genome position (GRCh38, 1-based): chr4:107,931,878, C>T. VCF-style: chr4-107931878-C-T. GRCh37 (hg19) VCF-style: chr4-108853034-C-T.
Other names: short protein forms P79S.
Identifiers: ClinVar variation 2192377 (VCV002192377.4), dbSNP rs768868832, ClinGen allele CA357832027.
Genomic context (GRCh38, chr4:107,931,878, plus strand): 5'-ATCCCGCCCGGGCCCACGCCCTGGCCTCTGGTGGGCAACTTCGGTCACGTGCTGCTGCCT[C>T]CCTTCCTCCGGCGGCGGAGCTGGCTGAGCAGCAGGACCAGGGCCGCAGGGATTGATCCCT-3'
Protein context (NP_898898.1, residues 69-89): VGNFGHVLLP[Pro79Ser]FLRRRSWLSS

ClinVar aggregate classification (germline): Uncertain significance (1 of 4 stars; one submission).

Conditions:
Spastic paraplegia. Identifiers: MedGen C0037772, HP:0001258.

Submission:

Labcorp Genetics (formerly Invitae), Labcorp
Classification: Uncertain significance for Spastic paraplegia. Last evaluated: 2022-12-06. Review status: criteria provided, single submitter. Criteria: Invitae Variant Classification Sherloc (09022015). Collection method: clinical testing. Allele origin: germline.
Comment: In summary, the available evidence is currently insufficient to determine the role of this variant in disease. Therefore, it has been classified as a Variant of Uncertain Significance. Advanced modeling of protein sequence and biophysical properties (such as structural, functional, and spatial information, amino acid conservation, physicochemical variation, residue mobility, and thermodynamic stability) performed at Invitae indicates that this missense variant is not expected to disrupt CYP2U1 protein function. This variant has not been reported in the literature in individuals affected with CYP2U1-related conditions. This variant is present in population databases (no rsID available, gnomAD 0.004%). This sequence change replaces proline, which is neutral and non-polar, with serine, which is neutral and polar, at codon 79 of the CYP2U1 protein (p.Pro79Ser).